The following is an entry in ClinVar:

ClinVar aggregate classification (germline): Likely benign. Review status: criteria provided, multiple submitters, no conflicts (2 of 4 stars). 3 submissions from 3 submitters: Likely benign (3). Last evaluated 2025-10-11.

Conditions:
Familial cancer of breast. Also called: BREAST CANCER, FAMILIAL; hereditary breast carcinoma; Hereditary breast cancer. Identifiers: Orphanet 227535, MedGen C0346153, MONDO:0016419, OMIM 114480. Disease mechanism: loss of function.

Allele frequency attached by ClinVar (database versions not stated): gnomAD exomes below 0.00001; ExAC 0.00001.
gnomAD v4.1: 1 of 1,611,422 alleles (0.000062%); highest among the groups gnomAD compares: Non-Finnish European, 0.000085%; no homozygotes.

Submissions (3):

Women's Health and Genetics/Laboratory Corporation of America, LabCorp
Classification: Likely benign. Last evaluated: 2025-10-11. Review status: criteria provided, single submitter. Criteria: LabCorp Variant Classification Summary - May 2015. Collection method: clinical testing. Allele origin: germline.

Myriad Genetics, Inc.
Classification: Likely benign for Familial cancer of breast. Last evaluated: 2024-07-18. Review status: criteria provided, single submitter. Criteria: Myriad Autosomal Dominant, Autosomal Recessive and X-Linked Classification Criteria (2023). Collection method: clinical testing. Allele origin: unknown.
Comment: This variant is considered likely benign. This variant is intronic and is not expected to impact mRNA splicing.

Labcorp Genetics (formerly Invitae), Labcorp
Classification: Likely benign for Familial cancer of breast. Last evaluated: 2023-12-13. Review status: criteria provided, single submitter. Criteria: Invitae Variant Classification Sherloc (09022015). Collection method: clinical testing. Allele origin: germline.

NM_000465.4(BARD1):c.159-6A>G

Gene: BARD1 (BRCA1 associated RING domain 1; minus strand). Cytogenetic location: 2q35.
Variant type: single nucleotide variant.
Coding change: c.159-6A>G on transcript NM_000465.4 (MANE Select); 6 bases into the intron before coding-DNA position 159, A replaced by G.
Molecular consequence: intron variant.
Genome position (GRCh38, 1-based): chr2:214,797,123, T>C on the plus strand (A>G on the coding strand, the complement: BARD1 is on the minus strand). VCF-style: chr2-214797123-T-C. GRCh37 (hg19) VCF-style: chr2-215661847-T-C.
Other names: c.158+12289A>G (NM_001282548.2); c.159-4678A>G (NM_001282543.2); c.159-6A>G (NM_001282545.2, NM_001282549.2).
Identifiers: ClinVar variation 1552840 (VCV001552840.11), dbSNP rs773668916, ClinGen allele CA2090492.